The following is an entry in ClinVar:

ClinVar aggregate classification (germline): Uncertain significance (1 of 4 stars; one submission).

Conditions:
Werner syndrome (WRN). Identifiers: Orphanet 902, MedGen C0043119, MONDO:0010196, OMIM 277700.

Submission:

Labcorp Genetics (formerly Invitae), Labcorp
Classification: Uncertain significance for Werner syndrome. Last evaluated: 2023-07-20. Review status: criteria provided, single submitter. Criteria: Invitae Variant Classification Sherloc (09022015). Collection method: clinical testing. Allele origin: germline.
Comment: In summary, the available evidence is currently insufficient to determine the role of this variant in disease. Therefore, it has been classified as a Variant of Uncertain Significance. An algorithm developed to predict the effect of missense changes on protein structure and function (PolyPhen-2) suggests that this variant is likely to be disruptive. This variant has not been reported in the literature in individuals affected with WRN-related conditions. This variant is not present in population databases (gnomAD no frequency). This sequence change replaces arginine, which is basic and polar, with tryptophan, which is neutral and slightly polar, at codon 1200 of the WRN protein (p.Arg1200Trp).

NM_000553.6(WRN):c.3598A>T (p.Arg1200Trp)

Gene: WRN (WRN RecQ like helicase; plus strand). Cytogenetic location: 8p12.
Variant type: single nucleotide variant.
Coding change: c.3598A>T on transcript NM_000553.6 (MANE Select); coding-DNA position 3598, A replaced by T.
Protein change: p.Arg1200Trp; replaces arginine 1200 with tryptophan.
Molecular consequence: missense variant.
Genome position (GRCh38, 1-based): chr8:31,150,366, A>T. VCF-style: chr8-31150366-A-T. GRCh37 (hg19) VCF-style: chr8-31007882-A-T.
Other names: short protein forms R1200W.
Identifiers: ClinVar variation 3002111 (VCV003002111.3), dbSNP rs1774707710, ClinGen allele CA370927477.